The following is an entry in ClinVar:

ClinVar aggregate classification (germline): Uncertain significance (1 of 4 stars; one submission).

Allele frequency attached by ClinVar (database versions not stated): gnomAD exomes 0.00001.
gnomAD v4.1: 10 of 1,614,152 alleles (0.00062%); highest among the groups gnomAD compares: South Asian, 0.0011%; no homozygotes.

Submission:

Labcorp Genetics (formerly Invitae), Labcorp
Classification: Uncertain significance. Last evaluated: 2022-06-27. Review status: criteria provided, single submitter. Criteria: Invitae Variant Classification Sherloc (09022015). Collection method: clinical testing. Allele origin: germline.
Comment: In summary, the available evidence is currently insufficient to determine the role of this variant in disease. Therefore, it has been classified as a Variant of Uncertain Significance. Algorithms developed to predict the effect of missense changes on protein structure and function are either unavailable or do not agree on the potential impact of this missense change (SIFT: "Deleterious"; PolyPhen-2: "Probably Damaging"; Align-GVGD: "Class C0"). ClinVar contains an entry for this variant (Variation ID: 1004566). This variant has not been reported in the literature in individuals affected with TUBGCP6-related conditions. This variant is present in population databases (no rsID available, gnomAD 0.003%). This sequence change replaces proline, which is neutral and non-polar, with serine, which is neutral and polar, at codon 610 of the TUBGCP6 protein (p.Pro610Ser).

NM_020461.4(TUBGCP6):c.1828C>T (p.Pro610Ser)

Gene: TUBGCP6 (tubulin gamma complex component 6; minus strand). Cytogenetic location: 22q13.33.
Variant type: single nucleotide variant.
Coding change: c.1828C>T on transcript NM_020461.4 (MANE Select); coding-DNA position 1828, C replaced by T.
Protein change: p.Pro610Ser; replaces proline 610 with serine.
Molecular consequence: missense variant.
Genome position (GRCh38, 1-based): chr22:50,226,055, G>A on the plus strand (C>T on the coding strand, the complement: TUBGCP6 is on the minus strand). VCF-style: chr22-50226055-G-A. GRCh37 (hg19) VCF-style: chr22-50664484-G-A.
Other names: short protein forms P610S.
Identifiers: ClinVar variation 1004566 (VCV001004566.6), dbSNP rs1447227839, ClinGen allele CA412105144.